The following is an entry in ClinVar:

ClinVar aggregate classification (germline): Uncertain significance (1 of 4 stars; one submission).

Allele frequency attached by ClinVar (database versions not stated): gnomAD exomes below 0.00001.
gnomAD v4.1: 4 of 1,588,948 alleles (0.00025%); highest among the groups gnomAD compares: Non-Finnish European, 0.00035%; no homozygotes.

Submission:

Labcorp Genetics (formerly Invitae), Labcorp
Classification: Uncertain significance. Last evaluated: 2023-03-23. Review status: criteria provided, single submitter. Criteria: Invitae Variant Classification Sherloc (09022015). Collection method: clinical testing. Allele origin: germline.
Comment: This sequence change replaces aspartic acid, which is acidic and polar, with valine, which is neutral and non-polar, at codon 267 of the GUCY2C protein (p.Asp267Val). This variant is not present in population databases (gnomAD no frequency). This variant has not been reported in the literature in individuals affected with GUCY2C-related conditions. ClinVar contains an entry for this variant (Variation ID: 2053202). Advanced modeling of protein sequence and biophysical properties (such as structural, functional, and spatial information, amino acid conservation, physicochemical variation, residue mobility, and thermodynamic stability) has been performed at Invitae for this missense variant, however the output from this modeling did not meet the statistical confidence thresholds required to predict the impact of this variant on GUCY2C protein function. In summary, the available evidence is currently insufficient to determine the role of this variant in disease. Therefore, it has been classified as a Variant of Uncertain Significance.

NM_004963.4(GUCY2C):c.800A>T (p.Asp267Val)

Genes: GUCY2C (guanylate cyclase 2C; minus strand), GUCY2C-AS1 (GUCY2C antisense RNA 1; plus strand). Cytogenetic location: 12p12.3.
Variant type: single nucleotide variant.
Coding change: c.800A>T on transcript NM_004963.4 (MANE Select); coding-DNA position 800, A replaced by T.
Protein change: p.Asp267Val; replaces aspartic acid 267 with valine.
Molecular consequence: missense variant.
Genome position (GRCh38, 1-based): chr12:14,679,687, T>A on the plus strand (A>T on the coding strand, the complement: GUCY2C is on the minus strand). VCF-style: chr12-14679687-T-A. GRCh37 (hg19) VCF-style: chr12-14832621-T-A.
Other names: short protein forms D267V.
Identifiers: ClinVar variation 2053202 (VCV002053202.4), dbSNP rs1948308611, ClinGen allele CA384004675.